The following is an entry in ClinVar:

NM_024721.5(ZFHX4):c.1613_1616del (p.Gln538fs)

Gene: ZFHX4 (zinc finger homeobox 4; plus strand). Cytogenetic location: 8q21.13.
Variant type: Deletion.
Coding change: c.1613_1616del on transcript NM_024721.5 (MANE Select); coding-DNA positions 1613 to 1616, 4 bases deleted (AGAC; older notation c.1613_1616delAGAC).
Protein change: p.Gln538fs; shifts the reading frame from glutamine 538.
Molecular consequence: frameshift variant.
Genome position (GRCh38, 1-based): chr8:76,705,701-76,705,704, AGAC deleted; deleting any 4 consecutive bases within chr8:76,705,699-76,705,704 gives the same sequence; the c. name uses the placement nearest the transcript's 3' end. VCF-style (leftmost placement, unchanged base first): chr8-76705698-AACAG-A. GRCh37 (hg19) VCF-style: chr8-77617933-AACAG-A.
Other names: c.1613_1616del, p.Gln538fs (NM_001410934.1); short protein forms Q538fs.
Identifiers: ClinVar variation 4891118 (VCV004891118.1).
Genomic context (GRCh38, chr8:76,705,698, plus strand): 5'-TTATTGAAAAGGGTACCTCGTCCTCCTCGGCGACTGTTTCTGATGACACAGAAAAGAAAA[AACAG>A]ACTGCTGCTGTTAGGGCCAGTGGCAGTGTTGCTAGTAACTATGGCATCAGTGGCAAGGAC-3'

ClinVar aggregate classification (germline): Pathogenic (1 of 4 stars; one submission).

Conditions:
ZFHX4-related disorder. Also called: ZFHX4-related condition.

Submission:

Greenwood Genetic Center Diagnostic Laboratories, Greenwood Genetic Center
Classification: Pathogenic for ZFHX4-related disorder. Last evaluated: 2026-06-02. Review status: criteria provided, single submitter. Criteria: ACMG Guidelines, 2015. Collection method: clinical testing. Allele origin: germline. Affected: yes.
Comment: PVS1, PS2, PM2